The following is an entry in ClinVar:

ClinVar aggregate classification (germline): Uncertain significance (1 of 4 stars; one submission).

Submission:

GeneDx
Classification: Uncertain significance. Last evaluated: 2023-02-08. Review status: criteria provided, single submitter. Criteria: GeneDx Variant Classification Process June 2021. Collection method: clinical testing. Allele origin: germline. Affected: yes.
Comment: In-frame deletion of 1 amino acid in a non-repeat region; In silico analysis supports a deleterious effect on protein structure/function; Has not been previously published as pathogenic or benign to our knowledge

NM_006015.6(ARID1A):c.4009_4011del (p.Asp1337del)

Gene: ARID1A (AT-rich interaction domain 1A; plus strand). Cytogenetic location: 1p36.11.
Variant type: Deletion.
Coding change: c.4009_4011del on transcript NM_006015.6 (MANE Select); coding-DNA positions 4009 to 4011, 3 bases deleted (GAT; older notation c.4009_4011delGAT).
Protein change: p.Asp1337del; deletes aspartic acid 1337.
Molecular consequence: inframe deletion. On other transcripts: inframe indel (1).
Genome position (GRCh38, 1-based): chr1:26,773,806-26,773,808, GAT deleted; deleting any 3 consecutive bases within chr1:26,773,804-26,773,808 gives the same sequence; the c. name uses the placement nearest the transcript's 3' end. VCF-style (leftmost placement, unchanged base first): chr1-26773803-CATG-C. GRCh37 (hg19) VCF-style: chr1-27100294-CATG-C.
Other names: c.4009_4011delGAT, p.Asp1337del (NM_006015.4); c.4009_4011del, p.Asp1337del (NM_139135.4); short protein forms D1337del.
Identifiers: ClinVar variation 2575527 (VCV002575527.1), dbSNP rs777257128, ClinGen allele CA707388.